The following is an entry in ClinVar:

NM_031263.4(HNRNPK):c.*49T>C

Gene: HNRNPK (heterogeneous nuclear ribonucleoprotein K; minus strand). Cytogenetic location: 9q21.32.
Variant type: single nucleotide variant.
Coding change: c.*49T>C on transcript NM_031263.4 (MANE Select); 49 bases downstream of the stop codon, T replaced by C.
Molecular consequence: 3 prime UTR variant. On other transcripts: missense variant (3).
Genome position (GRCh38, 1-based): chr9:83,969,358, A>G on the plus strand (T>C on the coding strand, the complement: HNRNPK is on the minus strand). VCF-style: chr9-83969358-A-G. GRCh37 (hg19) VCF-style: chr9-86584273-A-G.
Other names: c.1312T>C, p.Phe438Leu (NM_001318186.2); c.*49T>C (NM_001318187.2, NM_002140.5); c.1384T>C, p.Phe462Leu (NM_001318188.2, NM_031262.4); short protein forms F438L, F462L.
Identifiers: ClinVar variation 1306592 (VCV001306592.2), dbSNP rs2133008374, ClinGen allele CA373917246.

ClinVar aggregate classification (germline): Uncertain significance (1 of 4 stars; one submission).

Submission:

GeneDx
Classification: Uncertain significance. Last evaluated: 2019-07-10. Review status: criteria provided, single submitter. Criteria: GeneDx Variant Classification Process June 2021. Collection method: clinical testing. Allele origin: germline. Affected: yes.
Comment: Not observed in large population cohorts (Lek et al., 2016); Has not been previously published as pathogenic or benign to our knowledge